The following is an entry in ClinVar:

NM_144508.5(KNL1):c.245T>C (p.Met82Thr)

Gene: KNL1 (kinetochore scaffold 1; plus strand). Cytogenetic location: 15q15.1.
Variant type: single nucleotide variant.
Coding change: c.245T>C on transcript NM_144508.5 (MANE Select); coding-DNA position 245, T replaced by C.
Protein change: p.Met82Thr; replaces methionine 82 with threonine.
Molecular consequence: missense variant.
Genome position (GRCh38, 1-based): chr15:40,610,292, T>C. VCF-style: chr15-40610292-T-C. GRCh37 (hg19) VCF-style: chr15-40902490-T-C.
Other names: c.245T>C, p.Met82Thr (NM_170589.5); short protein forms M82T.
Identifiers: ClinVar variation 128592 (VCV000128592.11), dbSNP rs79413475, ClinGen allele CA152168.

ClinVar aggregate classification (germline): Benign. Review status: criteria provided, multiple submitters, no conflicts (2 of 4 stars). 4 submissions from 4 submitters: Benign (3). 1 of the submissions does not count toward it. Last evaluated 2018-10-21.

Conditions:
Microcephaly 4, primary, autosomal recessive. Identifiers: Orphanet 2512, MedGen C1858516, MONDO:0011437, OMIM 604321.

Allele frequency attached by ClinVar (database versions not stated): gnomAD exomes 0.00322 and 0.00868; ExAC 0.01054; gnomAD 0.03523 and 0.03753; 1000 Genomes Project 30x 0.03748; 1000 Genomes Project 0.03794; ESP Exome Variant Server 0.03798; TOPMed 0.03950.

Submissions (4):

GeneDx
Classification: Benign. Last evaluated: 2018-10-21. Review status: criteria provided, single submitter. Criteria: GeneDx Variant Classification Process June 2021. Collection method: clinical testing. Allele origin: germline. Affected: yes.

Illumina Laboratory Services, Illumina
Classification: Benign for Microcephaly 4, primary, autosomal recessive. Last evaluated: 2018-01-13. Review status: criteria provided, single submitter. Criteria: ICSL Variant Classification Criteria 13 December 2019. Collection method: clinical testing. Allele origin: germline.
Comment: This variant was observed in the ICSL laboratory as part of a predisposition screen in an ostensibly healthy population. It had not been previously curated by ICSL or reported in the Human Gene Mutation Database (HGMD: prior to June 1st, 2018), and was therefore a candidate for classification through an automated scoring system. Utilizing variant allele frequency, disease prevalence and penetrance estimates, and inheritance mode, an automated score was calculated to assess if this variant is too frequent to cause the disease. Based on the score and internal cut-off values, a variant classified as benign is not then subjected to further curation. The score for this variant resulted in a classification of benign for this disease.

Breakthrough Genomics
Classification: Benign. Review status: criteria provided, single submitter. Criteria: ACMG Guidelines, 2015. Collection method: not provided. Allele origin: germline. Inheritance: Autosomal recessive inheritance. Affected: yes.

Genetic Services Laboratory, University of Chicago
Classification: Likely benign for AllHighlyPenetrant. Review status: no assertion criteria provided. Collection method: clinical testing. Allele origin: germline. Inheritance: Autosomal recessive inheritance. Not counted in ClinVar's aggregate classification.
Comment: Likely benign based on allele frequency in 1000 Genomes Project or ESP global frequency and its presence in a patient with a rare or unrelated disease phenotype. NOT Sanger confirmed.